The following is an entry in ClinVar:

ClinVar aggregate classification (germline): Uncertain significance (1 of 4 stars; one submission).

Submission:

Labcorp Genetics (formerly Invitae), Labcorp
Classification: Uncertain significance. Last evaluated: 2023-10-06. Review status: criteria provided, single submitter. Criteria: Invitae Variant Classification Sherloc (09022015). Collection method: clinical testing. Allele origin: germline.
Comment: This sequence change replaces proline, which is neutral and non-polar, with leucine, which is neutral and non-polar, at codon 182 of the NAA15 protein (p.Pro182Leu). This variant is not present in population databases (gnomAD no frequency). This variant has not been reported in the literature in individuals affected with NAA15-related conditions. An algorithm developed to predict the effect of missense changes on protein structure and function (PolyPhen-2) suggests that this variant is likely to be tolerated. In summary, the available evidence is currently insufficient to determine the role of this variant in disease. Therefore, it has been classified as a Variant of Uncertain Significance.

NM_057175.5(NAA15):c.545C>T (p.Pro182Leu)

Gene: NAA15 (N-alpha-acetyltransferase 15, NatA auxiliary subunit; plus strand). Cytogenetic location: 4q31.1.
Variant type: single nucleotide variant.
Coding change: c.545C>T on transcript NM_057175.5 (MANE Select); coding-DNA position 545, C replaced by T.
Protein change: p.Pro182Leu; replaces proline 182 with leucine.
Molecular consequence: missense variant.
Genome position (GRCh38, 1-based): chr4:139,344,193, C>T. VCF-style: chr4-139344193-C-T. GRCh37 (hg19) VCF-style: chr4-140265347-C-T.
Other names: c.545C>T, p.Pro182Leu (NM_001410842.1, NM_025085.2); short protein forms P182L.
Identifiers: ClinVar variation 2827425 (VCV002827425.3), dbSNP rs2530378876, ClinGen allele CA358260476.